The following is an entry in ClinVar:

ClinVar aggregate classification (germline): Likely benign. Review status: criteria provided, multiple submitters, no conflicts (2 of 4 stars). 3 submissions from 3 submitters: Likely benign (3). Last evaluated 2025-10-22.

Conditions:
RPGRIP1-related disorder. Also called: RPGRIP1-related condition.
Leber congenital amaurosis 6 (LCA6). Identifiers: Orphanet 65, MedGen C1854260, MONDO:0013446, OMIM 613826.
Cone-rod dystrophy 13 (CORD13). Identifiers: Orphanet 1872, MedGen C2750720, MONDO:0011987, OMIM 608194.

Allele frequency attached by ClinVar (database versions not stated): gnomAD exomes 0.00001; ExAC 0.00002.
gnomAD v4.1: 12 of 1,612,618 alleles (0.00074%); highest among the groups gnomAD compares: Middle Eastern, 0.099%; no homozygotes.

Submissions (3):

PreventionGenetics, part of Exact Sciences
Classification: Likely benign for RPGRIP1-related condition. Last evaluated: 2025-10-22. Review status: criteria provided, single submitter. Criteria: ACMG Guidelines, 2015. Collection method: clinical testing. Allele origin: germline.
Comment: This variant is classified as likely benign based on ACMG/AMP sequence variant interpretation guidelines (Richards et al. 2015 PMID: 25741868, with internal and published modifications).

Labcorp Genetics (formerly Invitae), Labcorp
Classification: Likely benign for Leber congenital amaurosis 6; Cone-rod dystrophy 13. Last evaluated: 2025-06-27. Review status: criteria provided, single submitter. Criteria: Invitae Variant Classification Sherloc (09022015). Collection method: clinical testing. Allele origin: germline.

Blueprint Genetics
Classification: Likely benign. Last evaluated: 2024-05-10. Review status: criteria provided, single submitter. Criteria: ACMG Guidelines, 2015. Collection method: clinical testing. Allele origin: germline.

NM_020366.4(RPGRIP1):c.339C>A (p.Leu113=)

Gene: RPGRIP1 (RPGR interacting protein 1; plus strand). Cytogenetic location: 14q11.2.
Variant type: single nucleotide variant.
Coding change: c.339C>A on transcript NM_020366.4 (MANE Select); coding-DNA position 339, C replaced by A.
Protein change: p.Leu113=; no amino-acid change (leucine 113 retained).
Molecular consequence: synonymous variant.
Genome position (GRCh38, 1-based): chr14:21,301,086, C>A. VCF-style: chr14-21301086-C-A. GRCh37 (hg19) VCF-style: chr14-21769245-C-A.
Other names: c.339C>A (NM_020366.3).
Identifiers: ClinVar variation 1136011 (VCV001136011.11), dbSNP rs758436075, ClinGen allele CA7088635.